The following is an entry in ClinVar:

ClinVar aggregate classification (germline): Uncertain significance (1 of 4 stars; one submission).

Allele frequency attached by ClinVar (database versions not stated): gnomAD exomes 0.00001; TOPMed 0.00001; ExAC 0.00002.
gnomAD v4.1: 9 of 1,614,172 alleles (0.00056%); highest among the groups gnomAD compares: African/African-American, 0.0013%; no homozygotes.

Submission:

Labcorp Genetics (formerly Invitae), Labcorp
Classification: Uncertain significance. Last evaluated: 2022-01-06. Review status: criteria provided, single submitter. Criteria: Invitae Variant Classification Sherloc (09022015). Collection method: clinical testing. Allele origin: germline.
Comment: In summary, the available evidence is currently insufficient to determine the role of this variant in disease. Therefore, it has been classified as a Variant of Uncertain Significance. Algorithms developed to predict the effect of missense changes on protein structure and function (SIFT, PolyPhen-2, Align-GVGD) all suggest that this variant is likely to be disruptive. This variant has not been reported in the literature in individuals affected with KIF20A-related conditions. This variant is present in population databases (rs775316936, gnomAD 0.003%). This sequence change replaces arginine, which is basic and polar, with tryptophan, which is neutral and slightly polar, at codon 330 of the KIF20A protein (p.Arg330Trp).

NM_005733.3(KIF20A):c.988C>T (p.Arg330Trp)

Gene: KIF20A (kinesin family member 20A; plus strand). Cytogenetic location: 5q31.2.
Variant type: single nucleotide variant.
Coding change: c.988C>T on transcript NM_005733.3 (MANE Select); coding-DNA position 988, C replaced by T.
Protein change: p.Arg330Trp; replaces arginine 330 with tryptophan.
Molecular consequence: missense variant.
Genome position (GRCh38, 1-based): chr5:138,183,324, C>T. VCF-style: chr5-138183324-C-T. GRCh37 (hg19) VCF-style: chr5-137519013-C-T.
Other names: short protein forms R330W.
Identifiers: ClinVar variation 1949912 (VCV001949912.5), dbSNP rs775316936, ClinGen allele CA3426452.